The following is an entry in ClinVar:

ClinVar aggregate classification (germline): Conflicting classifications of pathogenicity. Review status: criteria provided, conflicting classifications (1 of 4 stars). 2 submissions from 2 submitters: Uncertain significance (1); Benign (1). Last evaluated 2025-04-29.

Conditions:
Hereditary breast ovarian cancer syndrome. Also called: Hereditary breast and/or ovarian cancer syndrome; Hereditary breast and ovarian cancer syndrome; Hereditary breast and ovarian cancer; Hereditary breast and ovarian cancer syndrome (HBOC); Breast and ovarian cancer; BRCA1- and BRCA2-Associated Hereditary Breast and Ovarian Cancer. Identifiers: Orphanet 145, MedGen C0677776, MeSH D061325, MONDO:0003582. Disease mechanism: loss of function.
Hereditary cancer-predisposing syndrome. Also called: Hereditary neoplastic syndrome; Neoplastic Syndromes, Hereditary; Tumor predisposition; Hereditary Cancer Syndrome. Identifiers: Orphanet 140162, MedGen C0027672, MeSH D009386, MONDO:0015356.

Submissions (2):

Ambry Genetics
Classification: Benign for Hereditary cancer-predisposing syndrome. Last evaluated: 2025-04-29. Review status: criteria provided, single submitter. Criteria: Ambry Variant Classification Scheme 2023. Collection method: clinical testing. Allele origin: germline.

Labcorp Genetics (formerly Invitae), Labcorp
Classification: Uncertain significance for Hereditary breast ovarian cancer syndrome. Last evaluated: 2019-06-19. Review status: criteria provided, single submitter. Criteria: Invitae Variant Classification Sherloc (09022015). Collection method: clinical testing. Allele origin: germline.
Comment: In summary, the available evidence is currently insufficient to determine the role of this variant in disease. Therefore, it has been classified as a Variant of Uncertain Significance. Algorithms developed to predict the effect of missense changes on protein structure and function (SIFT, PolyPhen-2, Align-GVGD) all suggest that this variant is likely to be tolerated, but these predictions have not been confirmed by published functional studies and their clinical significance is uncertain. This variant has not been reported in the literature in individuals with BRCA2-related conditions. This variant is not present in population databases (ExAC no frequency). This sequence change replaces cysteine with arginine at codon 2636 of the BRCA2 protein (p.Cys2636Arg). The cysteine residue is weakly conserved and there is a large physicochemical difference between cysteine and arginine.

NM_000059.4(BRCA2):c.7906T>C (p.Cys2636Arg)

Gene: BRCA2 (BRCA2 DNA repair associated; plus strand). Cytogenetic location: 13q13.1.
Variant type: single nucleotide variant.
Coding change: c.7906T>C on transcript NM_000059.4 (MANE Select); coding-DNA position 7906, T replaced by C.
Protein change: p.Cys2636Arg; replaces cysteine 2636 with arginine.
Molecular consequence: missense variant.
Genome position (GRCh38, 1-based): chr13:32,362,623, T>C. VCF-style: chr13-32362623-T-C. GRCh37 (hg19) VCF-style: chr13-32936760-T-C.
Other names: short protein forms C2636R.
Identifiers: ClinVar variation 940729 (VCV000940729.13), dbSNP rs2072747182, ClinGen allele CA387747159.